The following is an entry in ClinVar:

NM_014908.4(DOLK):c.663C>G (p.Asp221Glu)

Gene: DOLK (dolichol kinase; minus strand). Cytogenetic location: 9q34.11.
Variant type: single nucleotide variant.
Coding change: c.663C>G on transcript NM_014908.4 (MANE Select); coding-DNA position 663, C replaced by G.
Protein change: p.Asp221Glu; replaces aspartic acid 221 with glutamic acid.
Molecular consequence: missense variant.
Genome position (GRCh38, 1-based): chr9:128,946,641, G>C on the plus strand (C>G on the coding strand, the complement: DOLK is on the minus strand). VCF-style: chr9-128946641-G-C. GRCh37 (hg19) VCF-style: chr9-131708920-G-C.
Other names: short protein forms D221E.
Identifiers: ClinVar variation 4244190 (VCV004244190.1).

ClinVar aggregate classification (germline): Uncertain significance (1 of 4 stars; one submission).

Conditions:
Cardiovascular phenotype. Identifiers: MedGen CN230736.

Submission:

Ambry Genetics
Classification: Uncertain significance for Cardiovascular phenotype. Last evaluated: 2025-07-12. Review status: criteria provided, single submitter. Criteria: Ambry Variant Classification Scheme 2023. Collection method: clinical testing. Allele origin: germline.
Comment: The p.D221E variant (also known as c.663C>G), located in coding exon 1 of the DOLK gene, results from a C to G substitution at nucleotide position 663. The aspartic acid at codon 221 is replaced by glutamic acid, an amino acid with highly similar properties. This amino acid position is conserved. In addition, this alteration is predicted to be tolerated by in silico analysis. Based on the available evidence, the clinical significance of this variant remains unclear.